The following is an entry in ClinVar:

ClinVar aggregate classification (germline): Uncertain significance (1 of 4 stars; one submission).

Allele frequency attached by ClinVar (database versions not stated): ExAC 0.00001; TOPMed 0.00002.
gnomAD v4.1: 5 of 1,610,632 alleles (0.00031%); highest among the groups gnomAD compares: Admixed American, 0.005%; no homozygotes.

Submission:

Labcorp Genetics (formerly Invitae), Labcorp
Classification: Uncertain significance. Last evaluated: 2024-09-18. Review status: criteria provided, single submitter. Criteria: Invitae Variant Classification Sherloc (09022015). Collection method: clinical testing. Allele origin: germline.
Comment: This sequence change replaces glycine, which is neutral and non-polar, with glutamic acid, which is acidic and polar, at codon 325 of the BACH2 protein (p.Gly325Glu). This variant is present in population databases (rs746198587, gnomAD 0.006%). This variant has not been reported in the literature in individuals affected with BACH2-related conditions. Invitae Evidence Modeling of protein sequence and biophysical properties (such as structural, functional, and spatial information, amino acid conservation, physicochemical variation, residue mobility, and thermodynamic stability) indicates that this missense variant is not expected to disrupt BACH2 protein function with a negative predictive value of 80%. In summary, the available evidence is currently insufficient to determine the role of this variant in disease. Therefore, it has been classified as a Variant of Uncertain Significance.

NM_021813.4(BACH2):c.974G>A (p.Gly325Glu)

Gene: BACH2 (BACH transcriptional regulator 2; minus strand). Cytogenetic location: 6q15.
Variant type: single nucleotide variant.
Coding change: c.974G>A on transcript NM_021813.4 (MANE Select); coding-DNA position 974, G replaced by A.
Protein change: p.Gly325Glu; replaces glycine 325 with glutamic acid.
Molecular consequence: missense variant.
Genome position (GRCh38, 1-based): chr6:89,951,132, C>T on the plus strand (G>A on the coding strand, the complement: BACH2 is on the minus strand). VCF-style: chr6-89951132-C-T. GRCh37 (hg19) VCF-style: chr6-90660851-C-T.
Other names: c.974G>A, p.Gly325Glu (NM_001170794.2); short protein forms G325E.
Identifiers: ClinVar variation 2712304 (VCV002712304.3), dbSNP rs746198587, ClinGen allele CA3928067.